The following is an entry in ClinVar:

ClinVar aggregate classification (germline): Likely benign. Review status: criteria provided, multiple submitters, no conflicts (2 of 4 stars). 2 submissions from 2 submitters: Likely benign (2). Last evaluated 2026-03-11.

Conditions:
Cutis laxa, autosomal dominant 3 (ADCL3). Identifiers: Orphanet 90348, MedGen C4225268, MONDO:0014706, OMIM 616603.
de Barsy syndrome. Also called: Cutis laxa-corneal clouding-oligophrenia syndrome. Identifiers: Orphanet 2962, MedGen C0268354, MONDO:0017569.
Autosomal dominant spastic paraplegia type 9. Identifiers: MedGen C1832669, MONDO:0015091.

Allele frequency attached by ClinVar (database versions not stated): TOPMed below 0.00001; gnomAD 0.00001.
gnomAD v4.1: 31 of 1,613,186 alleles (0.0019%); highest among the groups gnomAD compares: Non-Finnish European, 0.0025%; no homozygotes.

Submissions (2):

Women's Health and Genetics/Laboratory Corporation of America, LabCorp
Classification: Likely benign. Last evaluated: 2026-03-11. Review status: criteria provided, single submitter. Criteria: LabCorp Variant Classification Summary - May 2015. Collection method: clinical testing. Allele origin: germline.
Comment: Variant summary: ALDH18A1 c.2207-14A>T alters a non-conserved nucleotide located at a position not widely known to affect splicing. Consensus agreement among computation tools predict no significant impact on normal splicing. However, these predictions have yet to be confirmed by functional studies. The variant allele was found at a frequency of 8e-06 in 250724 control chromosomes. The available data on variant occurrences in the general population are insufficient to allow any conclusion about variant significance. To our knowledge, no occurrence of c.2207-14A>T in individuals affected with ALDH18A1-related conditions and no experimental evidence demonstrating its impact on protein function have been reported. ClinVar contains an entry for this variant (Variation ID: 2038823). Based on the evidence outlined above, the variant was classified as likely benign.

Labcorp Genetics (formerly Invitae), Labcorp
Classification: Likely benign for Autosomal dominant spastic paraplegia type 9; de Barsy syndrome; Cutis laxa, autosomal dominant 3. Last evaluated: 2023-03-31. Review status: criteria provided, single submitter. Criteria: Invitae Variant Classification Sherloc (09022015). Collection method: clinical testing. Allele origin: germline.

NM_002860.4(ALDH18A1):c.2207-14A>T

Gene: ALDH18A1 (aldehyde dehydrogenase 18 family member A1; minus strand). Cytogenetic location: 10q24.1.
Variant type: single nucleotide variant.
Coding change: c.2207-14A>T on transcript NM_002860.4 (MANE Select); 14 bases into the intron before coding-DNA position 2207, A replaced by T.
Molecular consequence: intron variant.
Genome position (GRCh38, 1-based): chr10:95,606,957, T>A on the plus strand (A>T on the coding strand, the complement: ALDH18A1 is on the minus strand). VCF-style: chr10-95606957-T-A. GRCh37 (hg19) VCF-style: chr10-97366714-T-A.
Other names: c.1571-14A>T (NM_001323419.2); c.1874-14A>T (NM_001323412.2, NM_001323416.2); c.2102-14A>T (NM_001323417.2); c.2201-14A>T (NM_001017423.2, NM_001323415.2); c.1868-14A>T (NM_001323418.2); c.2207-14A>T (NM_001323413.2, NM_001323414.2).
Identifiers: ClinVar variation 2038823 (VCV002038823.5), dbSNP rs751744859, ClinGen allele CA5620108.
Genomic context (GRCh38, chr10:95,606,957, plus strand): 5'-TGGTCCCCGGGCGTGGATTCTCGATGTACTGATTCCCACTTCAGCTCCTGTGAAAAAGCA[T>A]GAATAAAAGATGTAGCTTTTCCCAGCCTCTGCTTCCTGTCCATGCCCCAGACCCACCCTG-3'